The following is an entry in ClinVar:

ClinVar aggregate classification (germline): Uncertain significance. Review status: criteria provided, multiple submitters, no conflicts (2 of 4 stars). 2 submissions from 2 submitters: Uncertain significance (2). Last evaluated 2025-07-17.

Submissions (2):

GeneDx
Classification: Uncertain significance. Last evaluated: 2025-07-17. Review status: criteria provided, single submitter. Criteria: GeneDx Variant Classification Process June 2021. Collection method: clinical testing. Allele origin: germline.
Comment: Not observed at significant frequency in large population cohorts (gnomAD); In silico analysis suggests that this missense variant does not alter protein structure/function; Has not been previously published as pathogenic or benign to our knowledge

Labcorp Genetics (formerly Invitae), Labcorp
Classification: Uncertain significance. Last evaluated: 2022-01-15. Review status: criteria provided, single submitter. Criteria: Invitae Variant Classification Sherloc (09022015). Collection method: clinical testing. Allele origin: germline.
Comment: This sequence change replaces threonine, which is neutral and polar, with serine, which is neutral and polar, at codon 146 of the TPP1 protein (p.Thr146Ser). This variant is not present in population databases (gnomAD no frequency). This variant has not been reported in the literature in individuals affected with TPP1-related conditions. Advanced modeling of protein sequence and biophysical properties (such as structural, functional, and spatial information, amino acid conservation, physicochemical variation, residue mobility, and thermodynamic stability) performed at Invitae indicates that this missense variant is not expected to disrupt TPP1 protein function. In summary, the available evidence is currently insufficient to determine the role of this variant in disease. Therefore, it has been classified as a Variant of Uncertain Significance.

NM_000391.4(TPP1):c.436A>T (p.Thr146Ser)

Gene: TPP1 (tripeptidyl peptidase 1; minus strand). Cytogenetic location: 11p15.4.
Variant type: single nucleotide variant.
Coding change: c.436A>T on transcript NM_000391.4 (MANE Select); coding-DNA position 436, A replaced by T.
Protein change: p.Thr146Ser; replaces threonine 146 with serine.
Molecular consequence: missense variant.
Genome position (GRCh38, 1-based): chr11:6,617,373, T>A on the plus strand (A>T on the coding strand, the complement: TPP1 is on the minus strand). VCF-style: chr11-6617373-T-A. GRCh37 (hg19) VCF-style: chr11-6638604-T-A.
Other names: c.436A>T (NM_000391.3); short protein forms T146S.
Identifiers: ClinVar variation 1953067 (VCV001953067.4), dbSNP rs770677434, ClinGen allele CA379475902.